The following is an entry in ClinVar:

NM_021813.4(BACH2):c.1411G>A (p.Gly471Ser)

Gene: BACH2 (BACH transcriptional regulator 2; minus strand). Cytogenetic location: 6q15.
Variant type: single nucleotide variant.
Coding change: c.1411G>A on transcript NM_021813.4 (MANE Select); coding-DNA position 1411, G replaced by A.
Protein change: p.Gly471Ser; replaces glycine 471 with serine.
Molecular consequence: missense variant.
Genome position (GRCh38, 1-based): chr6:89,950,695, C>T on the plus strand (G>A on the coding strand, the complement: BACH2 is on the minus strand). VCF-style: chr6-89950695-C-T. GRCh37 (hg19) VCF-style: chr6-90660414-C-T.
Other names: c.1411G>A, p.Gly471Ser (NM_001170794.2); short protein forms G471S.
Identifiers: ClinVar variation 2629397 (VCV002629397.4), dbSNP rs548454955, ClinGen allele CA3927989.

ClinVar aggregate classification (germline): Uncertain significance. Review status: criteria provided, multiple submitters, no conflicts (2 of 4 stars). 2 submissions from 2 submitters: Uncertain significance (2). Last evaluated 2025-11-11.

Conditions:
BACH2-related disorder. Also called: BACH2-related condition.

Allele frequency attached by ClinVar (database versions not stated): ExAC 0.00001; TOPMed 0.00010; 1000 Genomes Project 30x 0.00016; gnomAD exomes 0.00001; gnomAD 0.00003; 1000 Genomes Project 0.00020.
gnomAD v4.1: 20 of 1,614,152 alleles (0.0012%); highest among the groups gnomAD compares: South Asian, 0.0022%; no homozygotes.

Submissions (2):

Labcorp Genetics (formerly Invitae), Labcorp
Classification: Uncertain significance. Last evaluated: 2025-11-11. Review status: criteria provided, single submitter. Criteria: Invitae Variant Classification Sherloc (09022015). Collection method: clinical testing. Allele origin: germline.
Comment: This sequence change replaces glycine, which is neutral and non-polar, with serine, which is neutral and polar, at codon 471 of the BACH2 protein (p.Gly471Ser). This variant is present in population databases (rs548454955, gnomAD 0.003%). This variant has not been reported in the literature in individuals affected with BACH2-related conditions. ClinVar contains an entry for this variant (Variation ID: 2629397). Invitae Evidence Modeling of protein sequence and biophysical properties (such as structural, functional, and spatial information, amino acid conservation, physicochemical variation, residue mobility, and thermodynamic stability) indicates that this missense variant is not expected to disrupt BACH2 protein function with a negative predictive value of 80%. In summary, the available evidence is currently insufficient to determine the role of this variant in disease. Therefore, it has been classified as a Variant of Uncertain Significance.

PreventionGenetics, part of Exact Sciences
Classification: Uncertain significance for BACH2-related condition. Last evaluated: 2023-04-03. Review status: criteria provided, single submitter. Criteria: ACMG Guidelines, 2015. Collection method: clinical testing. Allele origin: germline.
Comment: The BACH2 c.1411G>A variant is predicted to result in the amino acid substitution p.Gly471Ser. To our knowledge, this variant has not been reported in the literature. This variant is reported in 0.0033% of alleles in individuals of South Asian descent in gnomAD. At this time, the clinical significance of this variant is uncertain due to the absence of conclusive functional and genetic evidence.